The following is an entry in ClinVar:

ClinVar aggregate classification (germline): Uncertain significance (1 of 4 stars; one submission).

Conditions:
Hereditary pancreatitis (PCTT). Also called: PRSS1-Related Hereditary Pancreatitis; Hereditary chronic pancreatitis. Identifiers: Orphanet 676, MedGen C0238339, MONDO:0008185, OMIM 167800.

gnomAD v4.1: 1 of 1,612,366 alleles (0.000062%); highest among the groups gnomAD compares: Non-Finnish European, 0.000085%; no homozygotes.

Submission:

Ambry Genetics
Classification: Uncertain significance for Hereditary pancreatitis. Last evaluated: 2024-12-20. Review status: criteria provided, single submitter. Criteria: Ambry Variant Classification Scheme 2023. Collection method: clinical testing. Allele origin: germline.
Comment: The c.381+2T>C intronic variant results from a T to C substitution two nucleotides after coding exon 3 in the CPA1 gene. This nucleotide position is highly conserved in available vertebrate species. In silico splice site analysis predicts that this alteration will weaken the native splice donor site. Alterations that disrupt the canonical splice site are expected to cause aberrant splicing, resulting in an abnormal protein or a transcript that is subject to nonsense-mediated mRNA decay. However, loss of function of CPA1 has not been established as a mechanism of disease. Based on the available evidence, the clinical significance of this alteration remains unclear.

NM_001868.4(CPA1):c.381+2T>C

Gene: CPA1 (carboxypeptidase A1; plus strand). Cytogenetic location: 7q32.2.
Variant type: single nucleotide variant.
Coding change: c.381+2T>C on transcript NM_001868.4 (MANE Select); the canonical splice donor site of the intron after coding-DNA position 381, T replaced by C.
Molecular consequence: splice donor variant.
Genome position (GRCh38, 1-based): chr7:130,381,865, T>C. VCF-style: chr7-130381865-T-C. GRCh37 (hg19) VCF-style: chr7-130021706-T-C.
Identifiers: ClinVar variation 3835742 (VCV003835742.1).
Genomic context (GRCh38, chr7:130,381,865, plus strand): 5'-GGTCCCGGGCGCGCTCCACCGACACTTTTAACTACGCCACCTACCACACCCTGGAGGAGG[T>C]GAGGGCGCCCCTAGCGGCCGCTCCCTGCAGCCACCAGCTCTTCATCATGGCTGGTAGAAC-3'